The following is an entry in ClinVar:

NM_032043.3(BRIP1):c.37G>A (p.Val13Met)

Gene: BRIP1 (BRCA1 interacting DNA helicase 1; minus strand). Cytogenetic location: 17q23.2.
Variant type: single nucleotide variant.
Coding change: c.37G>A on transcript NM_032043.3 (MANE Select); coding-DNA position 37, G replaced by A.
Protein change: p.Val13Met; replaces valine 13 with methionine.
Molecular consequence: missense variant.
Genome position (GRCh38, 1-based): chr17:61,861,503, C>T on the plus strand (G>A on the coding strand, the complement: BRIP1 is on the minus strand). VCF-style: chr17-61861503-C-T. GRCh37 (hg19) VCF-style: chr17-59938864-C-T.
Other names: short protein forms V13M.
Identifiers: ClinVar variation 1475454 (VCV001475454.11), dbSNP rs1488264110, ClinGen allele CA400486024.

ClinVar aggregate classification (germline): Uncertain significance. Review status: criteria provided, multiple submitters, no conflicts (2 of 4 stars). 3 submissions from 3 submitters: Uncertain significance (3). Last evaluated 2024-10-03.

Conditions:
Hereditary cancer-predisposing syndrome. Also called: Hereditary neoplastic syndrome; Tumor predisposition; Neoplastic Syndromes, Hereditary; Hereditary Cancer Syndrome. Identifiers: Orphanet 140162, MedGen C0027672, MeSH D009386, MONDO:0015356.
Familial cancer of breast. Also called: Hereditary breast cancer; BREAST CANCER, FAMILIAL; hereditary breast carcinoma. Identifiers: Orphanet 227535, MedGen C0346153, MONDO:0016419, OMIM 114480. Disease mechanism: loss of function.
Fanconi anemia complementation group J. Also called: BRIP1-Related Fanconi Anemia. Identifiers: Orphanet 84, MedGen C1836860, MONDO:0012187, OMIM 609054.

Allele frequency attached by ClinVar (database versions not stated): gnomAD exomes below 0.00001.
gnomAD v4.1: 1 of 1,613,184 alleles (0.000062%); highest among the groups gnomAD compares: Non-Finnish European, 0.000085%; no homozygotes.

Submissions (3):

Labcorp Genetics (formerly Invitae), Labcorp
Classification: Uncertain significance for Familial cancer of breast; Fanconi anemia complementation group J. Last evaluated: 2024-10-03. Review status: criteria provided, single submitter. Criteria: Invitae Variant Classification Sherloc (09022015). Collection method: clinical testing. Allele origin: germline.
Comment: This sequence change replaces valine, which is neutral and non-polar, with methionine, which is neutral and non-polar, at codon 13 of the BRIP1 protein (p.Val13Met). This variant is present in population databases (no rsID available, gnomAD 0.0009%). This variant has not been reported in the literature in individuals affected with BRIP1-related conditions. ClinVar contains an entry for this variant (Variation ID: 1475454). Invitae Evidence Modeling of protein sequence and biophysical properties (such as structural, functional, and spatial information, amino acid conservation, physicochemical variation, residue mobility, and thermodynamic stability) indicates that this missense variant is not expected to disrupt BRIP1 protein function with a negative predictive value of 95%. In summary, the available evidence is currently insufficient to determine the role of this variant in disease. Therefore, it has been classified as a Variant of Uncertain Significance.

Color Diagnostics, LLC DBA Color Health
Classification: Uncertain significance for Hereditary cancer-predisposing syndrome. Last evaluated: 2024-03-06. Review status: criteria provided, single submitter. Criteria: ACMG Guidelines, 2015. Collection method: clinical testing. Allele origin: germline.
Comment: This missense variant replaces valine with methionine at codon 13 of the BRIP1 protein. Computational prediction suggests that this variant may not impact protein structure and function (internally defined REVEL score threshold <= 0.5, PMID: 27666373). To our knowledge, functional studies have not been reported for this variant. This variant has not been reported in individuals affected with hereditary cancer in the literature. This variant has been identified in 1/251314 chromosomes in the general population by the Genome Aggregation Database (gnomAD). The available evidence is insufficient to determine the role of this variant in disease conclusively. Therefore, this variant is classified as a Variant of Uncertain Significance.

Ambry Genetics
Classification: Uncertain significance for Hereditary cancer-predisposing syndrome. Last evaluated: 2022-03-16. Review status: criteria provided, single submitter. Criteria: Ambry Variant Classification Scheme 2023. Collection method: clinical testing. Allele origin: germline.
Comment: The p.V13M variant (also known as c.37G>A), located in coding exon 1 of the BRIP1 gene, results from a G to A substitution at nucleotide position 37. The valine at codon 13 is replaced by methionine, an amino acid with highly similar properties. This amino acid position is conserved. In addition, the in silico prediction for this alteration is inconclusive. Since supporting evidence is limited at this time, the clinical significance of this alteration remains unclear.